The following is an entry in ClinVar:

NM_001376.5(DYNC1H1):c.12388A>G (p.Ile4130Val)

Gene: DYNC1H1 (dynein cytoplasmic 1 heavy chain 1; plus strand). Cytogenetic location: 14q32.31.
Variant type: single nucleotide variant.
Coding change: c.12388A>G on transcript NM_001376.5 (MANE Select); coding-DNA position 12388, A replaced by G.
Protein change: p.Ile4130Val; replaces isoleucine 4130 with valine.
Molecular consequence: missense variant.
Genome position (GRCh38, 1-based): chr14:102,042,496, A>G. VCF-style: chr14-102042496-A-G. GRCh37 (hg19) VCF-style: chr14-102508833-A-G.
Other names: short protein forms I4130V.
Identifiers: ClinVar variation 2430662 (VCV002430662.1), dbSNP rs2503859263, ClinGen allele CA391041150.
Genomic context (GRCh38, chr14:102,042,496, plus strand): 5'-GAGAAGAAGTTGCATTCCCTGCAGCCGCATGCCTGCTTCCGACTCTTCCTCACCATGGAG[A>G]TCAACCCCAAGGTGGGTGGTTGAAGGAGTGGAGACGTTGCAGGCTGGCCTGGCACTGTGC-3'
Protein context (NP_001367.2, residues 4120-4140): ACFRLFLTME[Ile4130Val]NPKVPVNLLR

ClinVar aggregate classification (germline): Uncertain significance (1 of 4 stars; one submission).

Submission:

GeneDx
Classification: Uncertain significance. Last evaluated: 2022-08-24. Review status: criteria provided, single submitter. Criteria: GeneDx Variant Classification Process June 2021. Collection method: clinical testing. Allele origin: germline. Affected: yes.
Comment: Not observed at significant frequency in large population cohorts (gnomAD); In silico analysis supports that this missense variant does not alter protein structure/function; Has not been previously published as pathogenic or benign to our knowledge